The following is an entry in ClinVar:

ClinVar aggregate classification (germline): Likely benign. Review status: criteria provided, multiple submitters, no conflicts (2 of 4 stars). 2 submissions from 2 submitters: Likely benign (2). Last evaluated 2025-09-01.

Conditions:
Aicardi-Goutieres syndrome 6 (AGS6). Identifiers: Orphanet 51, MedGen C3539013, MONDO:0014007, OMIM 615010.
Symmetrical dyschromatosis of extremities (DSH). Also called: SYMMETRIC DYSCHROMATOSIS OF THE EXTREMITIES; DYSCHROMATOSIS SYMMETRICA HEREDITARIA 1; Dyschromatosis symmetrica hereditaria; RETICULATE ACROPIGMENTATION OF DOHI. Identifiers: Orphanet 41, MedGen C0406775, MONDO:0007483, OMIM 127400.

Allele frequency attached by ClinVar (database versions not stated): gnomAD 0.00001; gnomAD exomes 0.00001; TOPMed 0.00001.
gnomAD v4.1: 11 of 1,614,130 alleles (0.00068%); highest among the groups gnomAD compares: Non-Finnish European, 0.00093%; no homozygotes.

Submissions (2):

CeGaT Center for Human Genetics Tuebingen
Classification: Likely benign. Last evaluated: 2025-09-01. Review status: criteria provided, single submitter. Criteria: CeGaT Center For Human Genetics Tuebingen Variant Classification Criteria Version 2. Collection method: clinical testing. Allele origin: germline. Affected: yes. Observed: 1 variant allele.
Comment: ADAR: BP4, BP7

Labcorp Genetics (formerly Invitae), Labcorp
Classification: Likely benign for Aicardi-Goutieres syndrome 6; Symmetrical dyschromatosis of extremities. Last evaluated: 2023-12-11. Review status: criteria provided, single submitter. Criteria: Invitae Variant Classification Sherloc (09022015). Collection method: clinical testing. Allele origin: germline.

NM_001111.5(ADAR):c.618G>A (p.Gln206=)

Gene: ADAR (adenosine deaminase RNA specific; minus strand). Cytogenetic location: 1q21.3.
Variant type: single nucleotide variant.
Coding change: c.618G>A on transcript NM_001111.5 (MANE Select); coding-DNA position 618, G replaced by A.
Protein change: p.Gln206=; no amino-acid change (glutamine 206 retained).
Molecular consequence: synonymous variant. On other transcripts: 5 prime UTR variant (6).
Genome position (GRCh38, 1-based): chr1:154,602,024, C>T on the plus strand (G>A on the coding strand, the complement: ADAR is on the minus strand). VCF-style: chr1-154602024-C-T. GRCh37 (hg19) VCF-style: chr1-154574500-C-T.
Other names: c.-268G>A (NM_001025107.3, NM_001193495.2, NM_001365046.1 and 3 more transcripts); c.645G>A, p.Gln215= (NM_001365045.1); c.618G>A, p.Gln206= (NM_015840.4, NM_015841.4).
Identifiers: ClinVar variation 1097706 (VCV001097706.16), dbSNP rs1012436976, ClinGen allele CA30810527.